The following is an entry in ClinVar:

ClinVar aggregate classification (germline): Pathogenic/Likely pathogenic. Review status: criteria provided, multiple submitters, no conflicts (2 of 4 stars). 3 submissions from 3 submitters: Pathogenic (1); Likely pathogenic (2). Last evaluated 2025-10-06.

Conditions:
Cardiovascular phenotype. Identifiers: MedGen CN230736.
Catecholaminergic polymorphic ventricular tachycardia 1. Also called: VENTRICULAR TACHYCARDIA, CATECHOLAMINERGIC POLYMORPHIC, 1, WITH OR WITHOUT ATRIAL DYSFUNCTION AND/OR DILATED CARDIOMYOPATHY; RYR2-Related Catecholaminergic Polymorphic Ventricular Tachycardia; VENTRICULAR TACHYCARDIA, STRESS-INDUCED POLYMORPHIC 1. Identifiers: Orphanet 3286, MedGen C1631597, MONDO:0011484, OMIM 604772.

Submissions (3):

Variantyx, Inc.
Classification: Likely pathogenic for Catecholaminergic polymorphic ventricular tachycardia 1. Last evaluated: 2025-10-06. Review status: criteria provided, single submitter. Criteria: Variantyx Assertion Criteria 2022. Collection method: clinical testing. Allele origin: germline. Inheritance: Autosomal dominant inheritance. Affected: yes.
Comment: This is a nonsynonymous variant in the RYR2 gene (OMIM: 180902). Pathogenic variants in this gene have been associated with autosomal dominant catecholaminergic polymorphic ventricular tachycardia 1. This variant has been reported in at least one affected individual (PMID: 19926015) (PS4). It lies within a known hotspot for pathogenic variants or a well-established critical functional domain of the RYR2 protein (PMID: 19926015) (PM1) and multiple computational algorithms predict a deleterious effect for this variant (REVEL score: 0.948) (PP3). This variant is absent from control populations (PM2). Based on the current evidence, this variant is classified as likely pathogenic for autosomal dominant catecholaminergic polymorphic ventricular tachycardia 1.

Labcorp Genetics (formerly Invitae), Labcorp
Classification: Pathogenic for Catecholaminergic polymorphic ventricular tachycardia 1. Last evaluated: 2024-12-31. Review status: criteria provided, single submitter. Criteria: Invitae Variant Classification Sherloc (09022015). Collection method: clinical testing. Allele origin: germline.
Comment: This sequence change replaces tyrosine, which is neutral and polar, with cysteine, which is neutral and slightly polar, at codon 4149 of the RYR2 protein (p.Tyr4149Cys). This variant is not present in population databases (gnomAD no frequency). This missense change has been observed in individual(s) with RYR2-related conditions (PMID: 19926015; internal data). In at least one individual the variant was observed to be de novo. ClinVar contains an entry for this variant (Variation ID: 1441891). Invitae Evidence Modeling of protein sequence and biophysical properties (such as structural, functional, and spatial information, amino acid conservation, physicochemical variation, residue mobility, and thermodynamic stability) indicates that this missense variant is expected to disrupt RYR2 protein function with a positive predictive value of 95%. For these reasons, this variant has been classified as Pathogenic.

Molecular Diagnostic Laboratory for Inherited Cardiovascular Disease, Montreal Heart Institute
Classification: Likely pathogenic for Cardiovascular phenotype. Last evaluated: 2023-09-20. Review status: criteria provided, single submitter. Criteria: ACMG Guidelines, 2015. Collection method: clinical testing. Allele origin: germline. Affected: yes.

Literature cited by the submitters: PubMed 19926015 (cited by Variantyx, Inc. and Labcorp Genetics (formerly Invitae), Labcorp).

NM_001035.3(RYR2):c.12446A>G (p.Tyr4149Cys)

Genes: RYR2 (ryanodine receptor 2; plus strand), LOC126806068 (BRD4-independent group 4 enhancer GRCh37_chr1:237947411-237948610; plus strand). Cytogenetic location: 1q43.
Variant type: single nucleotide variant.
Coding change: c.12446A>G on transcript NM_001035.3 (MANE Select); coding-DNA position 12446, A replaced by G.
Protein change: p.Tyr4149Cys; replaces tyrosine 4149 with cysteine.
Molecular consequence: missense variant.
Genome position (GRCh38, 1-based): chr1:237,784,158, A>G. VCF-style: chr1-237784158-A-G. GRCh37 (hg19) VCF-style: chr1-237947458-A-G.
Other names: c.12446A>G (NM_001035.2); short protein forms Y4149C.
Identifiers: ClinVar variation 1441891 (VCV001441891.10), dbSNP rs1234449785, ClinGen allele CA345413286.
Genomic context (GRCh38, chr1:237,784,158, plus strand): 5'-TCCAGCCCTTTCTGGGCCGCATCGAAATCATGGGAAGCGCCAAACGCATCGAGAGGGTCT[A>G]TTTTGAAATCAGTGAGTCCAGCCGAACCCAGTGGGAGAAGCCCCAGGTCAAGGAGTCCAA-3'
Protein context (NP_001026.2, residues 4139-4159): MGSAKRIERV[Tyr4149Cys]FEISESSRTQ